The following is an entry in ClinVar:

ClinVar aggregate classification (germline): Conflicting classifications of pathogenicity. Review status: criteria provided, conflicting classifications (1 of 4 stars). 5 submissions from 5 submitters: Uncertain significance (1); Likely benign (3). 1 of the submissions does not count toward it. Last evaluated 2025-07-30.

Conditions:
Hereditary cancer-predisposing syndrome. Also called: Tumor predisposition; Hereditary Cancer Syndrome; Neoplastic Syndromes, Hereditary; Hereditary neoplastic syndrome. Identifiers: Orphanet 140162, MedGen C0027672, MeSH D009386, MONDO:0015356.
Fanconi anemia (FA). Also called: Fanconi's anemia. Identifiers: Orphanet 84, MedGen C0015625, MeSH D005199, MONDO:0019391.
Inborn genetic diseases. Identifiers: MedGen C0950123, MeSH D030342.
FANCM-related disorder. Also called: FANCM-related condition.

Allele frequency attached by ClinVar (database versions not stated): ExAC 0.00004; ESP Exome Variant Server 0.00008; gnomAD 0.00011; TOPMed 0.00011; gnomAD exomes below 0.00001 and 0.00002.
gnomAD v4.1: 23 of 1,582,914 alleles (0.0015%); highest among the groups gnomAD compares: African/African-American, 0.027%; no homozygotes.

Submissions (5):

Labcorp Genetics (formerly Invitae), Labcorp
Classification: Likely benign for Fanconi anemia. Last evaluated: 2025-07-30. Review status: criteria provided, single submitter. Criteria: Invitae Variant Classification Sherloc (09022015). Collection method: clinical testing. Allele origin: germline.

PreventionGenetics, part of Exact Sciences
Classification: Likely benign for FANCM-related condition. Last evaluated: 2024-12-16. Review status: criteria provided, single submitter. Criteria: ACMG Guidelines, 2015. Collection method: clinical testing. Allele origin: germline.
Comment: This variant is classified as likely benign based on ACMG/AMP sequence variant interpretation guidelines (Richards et al. 2015 PMID: 25741868, with internal and published modifications).

Ambry Genetics
Classification: Likely benign for Inborn genetic diseases. Last evaluated: 2024-11-20. Review status: criteria provided, single submitter. Criteria: Ambry Variant Classification Scheme 2023. Collection method: clinical testing. Allele origin: germline.

Sema4
Classification: Uncertain significance for Hereditary cancer-predisposing syndrome. Last evaluated: 2021-06-14. Review status: criteria provided, single submitter. Criteria: Sema4 Curation Guidelines. Collection method: curation. Allele origin: germline.
Comment: The FANCM c.1812C>T (p.N604=) variant has not been reported in the literature to our knowledge. It was observed in 8/24844 chromosomes in the African/African American subpopulation in the large and broad cohorts of the Genome Aggregation Database (PMID: 32461654). The variant has not been reported in ClinVar. In silico tools suggest the variant may potentially have an impact on splicing, though these predictions have not been confirmed by functional studies. The evidence is insufficient to meet ACMG/AMP criteria for classifying the variant as benign or pathogenic. Thus, the clinical significance of this variant is currently uncertain.

Genetic Services Laboratory, University of Chicago
Classification: Likely benign. Last evaluated: 2022-12-14. Review status: no assertion criteria provided. Collection method: clinical testing. Allele origin: germline. Affected: no. Not counted in ClinVar's aggregate classification.

NM_020937.4(FANCM):c.1812C>T (p.Asn604=)

Gene: FANCM (FA complementation group M; plus strand). Cytogenetic location: 14q21.2.
Variant type: single nucleotide variant.
Coding change: c.1812C>T on transcript NM_020937.4 (MANE Select); coding-DNA position 1812, C replaced by T.
Protein change: p.Asn604=; no amino-acid change (asparagine 604 retained).
Molecular consequence: synonymous variant.
Genome position (GRCh38, 1-based): chr14:45,166,973, C>T. VCF-style: chr14-45166973-C-T. GRCh37 (hg19) VCF-style: chr14-45636176-C-T.
Other names: c.1812C>T (NM_020937.3); c.1734C>T, p.Asn578= (NM_001308133.2); c.1812C>T, p.Asn604= (NM_001308134.2).
Identifiers: ClinVar variation 1666802 (VCV001666802.13), dbSNP rs377473850, ClinGen allele CA7169165.